The following is an entry in ClinVar:

ClinVar aggregate classification (germline): Uncertain significance. Review status: criteria provided, multiple submitters, no conflicts (2 of 4 stars). 2 submissions from 2 submitters: Uncertain significance (2). Last evaluated 2022-08-19.

Conditions:
Hereditary spastic paraplegia 5A (SPG5A). Also called: SPASTIC PARAPLEGIA 5A, AUTOSOMAL RECESSIVE. Identifiers: Orphanet 100986, MedGen C1849115, MONDO:0010047, OMIM 270800.
Spastic paraplegia. Identifiers: MedGen C0037772, HP:0001258.

Allele frequency attached by ClinVar (database versions not stated): gnomAD 0.00001; TOPMed 0.00001; gnomAD exomes 0.00002.
gnomAD v4.1: 13 of 1,511,678 alleles (0.00086%); highest among the groups gnomAD compares: Non-Finnish European, 0.0011%; no homozygotes.

Submissions (2):

Labcorp Genetics (formerly Invitae), Labcorp
Classification: Uncertain significance for Spastic paraplegia. Last evaluated: 2022-08-19. Review status: criteria provided, single submitter. Criteria: Invitae Variant Classification Sherloc (09022015). Collection method: clinical testing. Allele origin: germline.
Comment: This sequence change replaces leucine, which is neutral and non-polar, with glutamine, which is neutral and polar, at codon 31 of the CYP7B1 protein (p.Leu31Gln). This variant is present in population databases (no rsID available, gnomAD 0.005%). This variant has not been reported in the literature in individuals affected with CYP7B1-related conditions. ClinVar contains an entry for this variant (Variation ID: 363590). Algorithms developed to predict the effect of missense changes on protein structure and function (SIFT, PolyPhen-2, Align-GVGD) all suggest that this variant is likely to be tolerated. In summary, the available evidence is currently insufficient to determine the role of this variant in disease. Therefore, it has been classified as a Variant of Uncertain Significance.

Illumina Laboratory Services, Illumina
Classification: Uncertain significance for Hereditary spastic paraplegia 5A. Last evaluated: 2018-01-13. Review status: criteria provided, single submitter. Criteria: ICSL Variant Classification Criteria 13 December 2019. Collection method: clinical testing. Allele origin: germline.

NM_004820.5(CYP7B1):c.92T>A (p.Leu31Gln)

Gene: CYP7B1 (cytochrome P450 family 7 subfamily B member 1; minus strand). Cytogenetic location: 8q12.3.
Variant type: single nucleotide variant.
Coding change: c.92T>A on transcript NM_004820.5 (MANE Select); coding-DNA position 92, T replaced by A.
Protein change: p.Leu31Gln; replaces leucine 31 with glutamine.
Molecular consequence: missense variant.
Genome position (GRCh38, 1-based): chr8:64,798,496, A>T on the plus strand (T>A on the coding strand, the complement: CYP7B1 is on the minus strand). VCF-style: chr8-64798496-A-T. GRCh37 (hg19) VCF-style: chr8-65711053-A-T.
Other names: c.92T>A, p.Leu31Gln (NM_001324112.2); short protein forms L31Q.
Identifiers: ClinVar variation 363590 (VCV000363590.6), dbSNP rs886063076, ClinGen allele CA10628219.